The following is an entry in ClinVar:

NM_014363.6(SACS):c.3328del (p.Ile1110fs)

Gene: SACS (sacsin molecular chaperone; minus strand). Cytogenetic location: 13q12.12.
Variant type: Deletion.
Coding change: c.3328del on transcript NM_014363.6 (MANE Select); coding-DNA position 3328, one base deleted (A; older notation c.3328delA).
Protein change: p.Ile1110fs; shifts the reading frame from isoleucine 1110.
Molecular consequence: frameshift variant.
Genome position (GRCh38, 1-based): chr13:23,340,548, T deleted on the plus strand (A on the coding strand, the reverse complement: SACS is on the minus strand); the first of 8 consecutive T bases (chr13:23,340,548-23,340,555); deleting any one gives the same sequence. VCF-style (leftmost placement, unchanged base first): chr13-23340547-AT-A. GRCh37 (hg19) VCF-style: chr13-23914686-AT-A.
Other names: c.2887del, p.Ile963fs (NM_001278055.2); short protein forms I1110fs, I963fs.
Identifiers: ClinVar variation 2744159 (VCV002744159.3), dbSNP rs770866403, ClinGen allele CA6911540.

ClinVar aggregate classification (germline): Pathogenic (1 of 4 stars; one submission).

Conditions:
Spastic paraplegia. Identifiers: MedGen C0037772, HP:0001258.

Submission:

Labcorp Genetics (formerly Invitae), Labcorp
Classification: Pathogenic for Spastic paraplegia. Last evaluated: 2024-01-08. Review status: criteria provided, single submitter. Criteria: Invitae Variant Classification Sherloc (09022015). Collection method: clinical testing. Allele origin: germline.
Comment: This sequence change creates a premature translational stop signal (p.Ile1110Leufs*16) in the SACS gene. While this is not anticipated to result in nonsense mediated decay, it is expected to disrupt the last 3470 amino acid(s) of the SACS protein. The frequency data for this variant in the population databases is considered unreliable, as metrics indicate poor data quality at this position in the gnomAD database. This variant has not been reported in the literature in individuals affected with SACS-related conditions. This variant disrupts a region of the SACS protein in which other variant(s) (p.Tyr4538*) have been determined to be pathogenic (Invitae). This suggests that this is a clinically significant region of the protein, and that variants that disrupt it are likely to be disease-causing. For these reasons, this variant has been classified as Pathogenic.